The following is an entry in ClinVar:

ClinVar aggregate classification (germline): Uncertain significance (1 of 4 stars; one submission).

Conditions:
3-methylglutaconic aciduria, type VIIB (MGCA7B). Also called: CLPB Deficiency; 3-methylglutaconic aciduria with cataracts, neurologic involvement and neutropenia; 3-methylglutaconic aciduria, type VII, with cataracts, neurologic involvement and neutropenia. Identifiers: Orphanet 445038, MedGen C5676893, MONDO:0014561, OMIM 616271.

Allele frequency attached by ClinVar (database versions not stated): gnomAD exomes below 0.00001.

Submission:

Labcorp Genetics (formerly Invitae), Labcorp
Classification: Uncertain significance for 3-methylglutaconic aciduria, type VIIB. Last evaluated: 2023-02-18. Review status: criteria provided, single submitter. Criteria: Invitae Variant Classification Sherloc (09022015). Collection method: clinical testing. Allele origin: germline.
Comment: In summary, the available evidence is currently insufficient to determine the role of this variant in disease. Therefore, it has been classified as a Variant of Uncertain Significance. An algorithm developed to predict the effect of missense changes on protein structure and function (PolyPhen-2) suggests that this variant is likely to be disruptive. This variant has not been reported in the literature in individuals affected with CLPB-related conditions. This variant is not present in population databases (gnomAD no frequency). This sequence change replaces valine, which is neutral and non-polar, with methionine, which is neutral and non-polar, at codon 463 of the CLPB protein (p.Val463Met).

NM_001258392.3(CLPB):c.1297G>A (p.Val433Met)

Genes: CLPB (ClpB family mitochondrial disaggregase; minus strand), LOC126861258 (MED14-independent group 3 enhancer GRCh37_chr11:72012242-72013441; plus strand). Cytogenetic location: 11q13.4.
Variant type: single nucleotide variant.
Coding change: c.1297G>A on transcript NM_001258392.3 (MANE Select); coding-DNA position 1297, G replaced by A.
Protein change: p.Val433Met; replaces valine 433 with methionine.
Molecular consequence: missense variant.
Genome position (GRCh38, 1-based): chr11:72,301,835, C>T on the plus strand (G>A on the coding strand, the complement: CLPB is on the minus strand). VCF-style: chr11-72301835-C-T. GRCh37 (hg19) VCF-style: chr11-72012879-C-T.
Other names: c.1210G>A, p.Val404Met (NM_001258393.3); c.1252G>A, p.Val418Met (NM_001258394.3); c.1387G>A, p.Val463Met (NM_030813.6); short protein forms V418M, V433M, V404M, V463M.
Identifiers: ClinVar variation 2838852 (VCV002838852.3), dbSNP rs2539343172, ClinGen allele CA381732497.